The following is an entry in ClinVar:

ClinVar aggregate classification (germline): Uncertain significance. Review status: criteria provided, multiple submitters, no conflicts (2 of 4 stars). 2 submissions from 2 submitters: Uncertain significance (2). Last evaluated 2024-09-09.

Conditions:
Congenital myasthenic syndrome 15. Also called: Myasthenic syndrome, congenital, 15, without tubular aggregates. Identifiers: Orphanet 353327, Orphanet 590, MedGen C4015596, MONDO:0014542, OMIM 616227.
Inborn genetic diseases. Identifiers: MedGen C0950123, MeSH D030342.

Allele frequency attached by ClinVar (database versions not stated): gnomAD exomes below 0.00001.
gnomAD v4.1: 1 of 1,614,126 alleles (0.000062%); highest among the groups gnomAD compares: Non-Finnish European, 0.000085%; no homozygotes.

Submissions (2):

Ambry Genetics
Classification: Uncertain significance for Inborn genetic diseases. Last evaluated: 2024-09-09. Review status: criteria provided, single submitter. Criteria: Ambry Variant Classification Scheme 2023. Collection method: clinical testing. Allele origin: germline.

Labcorp Genetics (formerly Invitae), Labcorp
Classification: Uncertain significance for Congenital myasthenic syndrome 15. Last evaluated: 2022-01-11. Review status: criteria provided, single submitter. Criteria: Invitae Variant Classification Sherloc (09022015). Collection method: clinical testing. Allele origin: germline.
Comment: This sequence change replaces serine, which is neutral and polar, with phenylalanine, which is neutral and non-polar, at codon 155 of the ALG14 protein (p.Ser155Phe). This variant is not present in population databases (gnomAD no frequency). This variant has not been reported in the literature in individuals affected with ALG14-related conditions. Algorithms developed to predict the effect of missense changes on protein structure and function are either unavailable or do not agree on the potential impact of this missense change (SIFT: "Deleterious"; PolyPhen-2: "Possibly Damaging"; Align-GVGD: "Class C0"). In summary, the available evidence is currently insufficient to determine the role of this variant in disease. Therefore, it has been classified as a Variant of Uncertain Significance.

NM_144988.4(ALG14):c.464C>T (p.Ser155Phe)

Gene: ALG14 (ALG14 UDP-N-acetylglucosaminyltransferase subunit; minus strand). Cytogenetic location: 1p21.3.
Variant type: single nucleotide variant.
Coding change: c.464C>T on transcript NM_144988.4 (MANE Select); coding-DNA position 464, C replaced by T.
Protein change: p.Ser155Phe; replaces serine 155 with phenylalanine.
Molecular consequence: missense variant. On other transcripts: 3 prime UTR variant (1), non-coding transcript variant (1).
Genome position (GRCh38, 1-based): chr1:94,983,263, G>A on the plus strand (C>T on the coding strand, the complement: ALG14 is on the minus strand). VCF-style: chr1-94983263-G-A. GRCh37 (hg19) VCF-style: chr1-95448819-G-A.
Other names: c.464C>T (NM_144988.3); c.*33C>T (NM_001305242.2); short protein forms S155F.
Identifiers: ClinVar variation 1474141 (VCV001474141.7), dbSNP rs2100709222, ClinGen allele CA341364638.